The following is an entry in ClinVar:

NM_000051.4(ATM):c.5372dup (p.Asp1791fs)

Gene: ATM (ATM serine/threonine kinase; plus strand). Cytogenetic location: 11q22.3.
Variant type: Duplication.
Coding change: c.5372dup on transcript NM_000051.4 (MANE Select); coding-DNA position 5372, one base duplicated (A; older notation c.5372dupA).
Protein change: p.Asp1791fs; shifts the reading frame from aspartic acid 1791.
Molecular consequence: frameshift variant.
Genome position (GRCh38, 1-based): chr11:108,302,905, A duplicated. VCF-style (leftmost placement, unchanged base first): chr11-108302904-G-GA. GRCh37 (hg19) VCF-style: chr11-108173631-G-GA.
Other names: c.5372dup, p.Asp1791fs (NM_001351834.2); short protein forms D1791fs.
Identifiers: ClinVar variation 3148736 (VCV003148736.1), dbSNP rs2546979395, ClinGen allele CA2825001897.

ClinVar aggregate classification (germline): Pathogenic (1 of 4 stars; one submission).

Conditions:
Familial cancer of breast. Also called: BREAST CANCER, FAMILIAL; Hereditary breast cancer; hereditary breast carcinoma. Identifiers: Orphanet 227535, MedGen C0346153, MONDO:0016419, OMIM 114480. Disease mechanism: loss of function.

Submission:

Myriad Genetics, Inc.
Classification: Pathogenic for Familial cancer of breast. Last evaluated: 2024-01-25. Review status: criteria provided, single submitter. Criteria: Myriad Autosomal Dominant, Autosomal Recessive and X-Linked Classification Criteria (2023). Collection method: clinical testing. Allele origin: unknown.
Comment: This variant is considered pathogenic. This variant creates a frameshift predicted to result in premature protein truncation.